The following is an entry in ClinVar:

NM_001164508.2(NEB):c.21734A>G (p.Asn7245Ser)

Genes: NEB (nebulin; minus strand), RIF1 (replication timing regulatory factor 1; plus strand). Cytogenetic location: 2q23.3.
Variant type: single nucleotide variant.
Coding change: c.21734A>G on transcript NM_001164508.2 (MANE Select); coding-DNA position 21734, A replaced by G.
Protein change: p.Asn7245Ser; replaces asparagine 7245 with serine.
Molecular consequence: missense variant.
Genome position (GRCh38, 1-based): chr2:151,529,211, T>C on the plus strand (A>G on the coding strand, the complement: NEB is on the minus strand). VCF-style: chr2-151529211-T-C. GRCh37 (hg19) VCF-style: chr2-152385725-T-C.
Other names: c.21734A>G, p.Asn7245Ser (NM_001164507.2); c.21839A>G, p.Asn7280Ser (NM_001271208.2); c.16631A>G, p.Asn5544Ser (NM_004543.5); short protein forms N5544S, N7245S, N7280S.
Identifiers: ClinVar variation 1044923 (VCV001044923.7), dbSNP rs751872533, ClinGen allele CA1906898.

ClinVar aggregate classification (germline): Uncertain significance. Review status: criteria provided, multiple submitters, no conflicts (2 of 4 stars). 2 submissions from 2 submitters: Uncertain significance (2). Last evaluated 2022-06-29.

Conditions:
Nemaline myopathy 2 (NEM2). Also called: Nemaline myopathy 2, autosomal recessive. Identifiers: MedGen C1850569, MONDO:0009725, OMIM 256030.

Allele frequency attached by ClinVar (database versions not stated): ExAC 0.00001; gnomAD 0.00001; gnomAD exomes 0.00001; TOPMed 0.00002.
gnomAD v4.1: 20 of 1,600,280 alleles (0.0012%); highest among the groups gnomAD compares: Non-Finnish European, 0.0016%; no homozygotes.

Submissions (2):

Labcorp Genetics (formerly Invitae), Labcorp
Classification: Uncertain significance for Nemaline myopathy 2. Last evaluated: 2022-06-29. Review status: criteria provided, single submitter. Criteria: Invitae Variant Classification Sherloc (09022015). Collection method: clinical testing. Allele origin: germline.
Comment: This sequence change replaces asparagine, which is neutral and polar, with serine, which is neutral and polar, at codon 7280 of the NEB protein (p.Asn7280Ser). The frequency data for this variant in the population databases is considered unreliable, as metrics indicate poor data quality at this position in the gnomAD database. This variant has not been reported in the literature in individuals affected with NEB-related conditions. ClinVar contains an entry for this variant (Variation ID: 1044923). Algorithms developed to predict the effect of missense changes on protein structure and function are either unavailable or do not agree on the potential impact of this missense change (SIFT: "Deleterious"; PolyPhen-2: "Not Available"; Align-GVGD: "Class C0"). In summary, the available evidence is currently insufficient to determine the role of this variant in disease. Therefore, it has been classified as a Variant of Uncertain Significance.

Revvity Omics, Revvity
Classification: Uncertain significance. Last evaluated: 2019-11-14. Review status: criteria provided, single submitter. Criteria: ACMG Guidelines, 2015. Collection method: clinical testing. Allele origin: germline.